The following continues an entry in ClinVar:

NM_002474.3(MYH11):c.3757AAG[3] (p.Lys1256del)

Gene: MYH11. ClinVar aggregate classification (germline): Conflicting classifications of pathogenicity. Pathogenic (3); Likely pathogenic (9); Uncertain significance (9). ClinVar aggregate classification (somatic clinical impact): Tier II - Potential.

Submissions 13 to 23 of 23:

Blueprint Genetics
Classification: Uncertain significance. Last evaluated: 2024-03-14. Review status: criteria provided, single submitter. Criteria: ACMG Guidelines, 2015. Collection method: clinical testing. Allele origin: germline.

Institute of Human Genetics, University of Leipzig Medical Center
Classification: Uncertain significance for Aortic aneurysm, familial thoracic 4. Last evaluated: 2024-01-09. Review status: criteria provided, single submitter. Criteria: ACMG Guidelines, 2015. Collection method: clinical testing. Allele origin: unknown. Inheritance: Autosomal dominant inheritance. Affected: yes.
Comment: Criteria applied: PS4_MOD,PM4,PS3_SUP

MVZ Medizinische Genetik Mainz
Classification: Pathogenic for Aortic aneurysm, familial thoracic 4. Last evaluated: 2023-07-13. Review status: criteria provided, single submitter. Criteria: UK Practice Guidelines For Variant Classification V4 01 2020. Collection method: clinical testing. Allele origin: germline. Inheritance: Autosomal dominant inheritance. Affected: yes. Observed: 1 variant allele.
Comment: ACMG Criteria: PS3,PS4,PM4_SUP

CHEO Genetics Diagnostic Laboratory, Children's Hospital of Eastern Ontario
Classification: Uncertain significance for Familial thoracic aortic aneurysm and aortic dissection. Last evaluated: 2023-05-23. Review status: criteria provided, single submitter. Criteria: ACMG Guidelines, 2015. Collection method: clinical testing. Allele origin: germline.

Clinical Genetics Laboratory, Skane University Hospital Lund
Classification: Likely pathogenic. Last evaluated: 2022-10-27. Review status: criteria provided, single submitter. Criteria: ACMG Guidelines, 2015. Collection method: clinical testing. Allele origin: germline. Affected: yes.

Revvity Omics, Revvity
Classification: Uncertain significance. Last evaluated: 2022-03-04. Review status: criteria provided, single submitter. Criteria: ACMG Guidelines, 2015. Collection method: clinical testing. Allele origin: germline.

Laboratory for Molecular Medicine, Mass General Brigham Personalized Medicine
Classification: Uncertain significance for Familial thoracic aortic aneurysm and aortic dissection. Last evaluated: 2019-04-19. Review status: criteria provided, single submitter. Criteria: ACMG Guidelines, 2015. Collection method: clinical testing. Allele origin: germline.
Comment: The p.Lys1263del variant in MYH11 (also reported as p.Lys1256del) has been reported in 8 individuals with thoracic aortic dissection (including aneurysm) (Harakalova 2013, Imai 2015, Yeung 2017, Overwater 2018, Wooderchack-Donahue 2015) and segregated with disease in 1 individual affected with thoracic aortic dissection from 1 family and 4 individuals affected with PDA from 2 families (Harakalova 2013, Imai 2015). However, this variant was shown not to segregate with disease in 1 individual affected with PDA and in 1 individual affected with thoracic aortic dissection from 1 family, though the individual with aortic dissection was more distantly related (Harlakova 2013). This variant has also been reported in ClinVar (Variation ID 180420). It has been identified in 11 individuals referred for Marfan/TAAD testing at GeneDx, but in 3 of these cases other variants in additional genes were reported (GeneDx personal communication). It has also been identified in 0.007% (9/129114) of European chromosomes by gnomAD. This variant is a deletion of 1 amino acid at position 1263 and is not predicted to alter the protein reading-frame. It is unclear if this deletion will impact the protein. Computational prediction tools and conservation analysis suggest that this variant may impact the protein and in vitro functional studies provide some evidence that this variant impacts protein function (Yeung 2017); however, these types of assays may not accurately represent biological function. In summary, while there is some suspicion for a pathogenic role, the clinical significance of this variant is uncertain. ACMG/AMP Criteria applied: PM2_supporting, PS4_Moderate, PM4_Supporting, BP5.

Institute of Human Genetics, University Medical Center Hamburg-Eppendorf
Classification: Likely pathogenic for Thoracic aortic aneurysm and aortic dissection. Last evaluated: 2018-11-20. Review status: criteria provided, single submitter. Criteria: ACMG Guidelines, 2015. Collection method: clinical testing. Allele origin: unknown. Inheritance: Autosomal dominant inheritance. Affected: yes.

CeGaT Center for Human Genetics Tuebingen
Classification: Pathogenic. Last evaluated: 2017-06-01. Review status: criteria provided, single submitter. Criteria: CeGaT Center For Human Genetics Tuebingen Variant Classification Criteria Version 2. Collection method: clinical testing. Allele origin: germline. Affected: yes. Observed: 1 variant allele.

Juno Genomics, Hangzhou Juno Genomics, Inc
Classification: Likely pathogenic for Aortic aneurysm, familial thoracic 4. Review status: criteria provided, single submitter. Criteria: ACMG Guidelines, 2015. Collection method: clinical testing. Allele origin: germline. Affected: yes.
Comment: Absent from controls (or at extremely low frequency if recessive) in Genome Aggregation Database.;Protein length changes due to in-frame deletions/insertions in a non-repeat region or stop-loss variants.;The prevalence of the variant in affected individuals is significantly increased compared to the prevalence in controls.;Well-established in vitro or in vivo functional studies supportive of a damaging effect on the gene or gene product.

Heart Medical Centre, First Affiliated Hospital  of Gannan Medical University
Classification: Pathogenic for Congenital aneurysm of ascending aorta. Last evaluated: 2021-12-28. Review status: no assertion criteria provided. Collection method: clinical testing. Allele origin: unknown. Affected: yes. Not counted in ClinVar's aggregate classification.

Literature cited by the submitters: PubMed 35614093 (cited by 7 submitters); PubMed 22968129 (cited by 8 submitters); PubMed 25944730 (cited by 8 submitters); PubMed 26056961 (cited by 9 submitters); PubMed 29907982 (cited by 7 submitters); PubMed 30675029 (cited by 6 submitters); PubMed 25907466 (cited by 4 submitters); PubMed 28074631 (cited by 7 submitters); PubMed 37894894 (cited by Ambry Genetics and Institute for Genomic Medicine (IGM) Clinical Laboratory, Nationwide Children's Hospital); PubMed 19875725 (cited by Victorian Clinical Genetics Services, Murdoch Childrens Research Institute); PubMed 28391405 (cited by 3 submitters); PubMed 31389005 (cited by Victorian Clinical Genetics Services, Murdoch Childrens Research Institute); PubMed 17666408 (cited by Victorian Clinical Genetics Services, Murdoch Childrens Research Institute); PubMed 29510914 (cited by 3 submitters); PubMed 37042257 (cited by Victorian Clinical Genetics Services, Murdoch Childrens Research Institute); PubMed 31944481 (cited by Victorian Clinical Genetics Services, Murdoch Childrens Research Institute); PubMed 34422331 (cited by Victorian Clinical Genetics Services, Murdoch Childrens Research Institute); PubMed 37644562 (cited by Victorian Clinical Genetics Services, Murdoch Childrens Research Institute and Women's Health and Genetics/Laboratory Corporation of America, LabCorp); PubMed 40658722 (cited by Victorian Clinical Genetics Services, Murdoch Childrens Research Institute); PubMed 40869178 (cited by Women's Health and Genetics/Laboratory Corporation of America, LabCorp); PubMed 34380460 (cited by Institute for Genomic Medicine (IGM) Clinical Laboratory, Nationwide Children's Hospital); PubMed 29517504 (cited by Institute for Genomic Medicine (IGM) Clinical Laboratory, Nationwide Children's Hospital); PubMed 18391202 (cited by Institute for Genomic Medicine (IGM) Clinical Laboratory, Nationwide Children's Hospital).